The following is an entry in ClinVar:

NM_177438.3(DICER1):c.407A>G (p.Glu136Gly)

Gene: DICER1 (dicer 1, ribonuclease III; minus strand). Cytogenetic location: 14q32.13.
Variant type: single nucleotide variant.
Coding change: c.407A>G on transcript NM_177438.3 (MANE Select); coding-DNA position 407, A replaced by G.
Protein change: p.Glu136Gly; replaces glutamic acid 136 with glycine.
Molecular consequence: missense variant.
Genome position (GRCh38, 1-based): chr14:95,131,540, T>C on the plus strand (A>G on the coding strand, the complement: DICER1 is on the minus strand). VCF-style: chr14-95131540-T-C. GRCh37 (hg19) VCF-style: chr14-95597877-T-C.
Other names: c.407A>G, p.Glu136Gly (NM_001195573.1, NM_001271282.3, NM_001291628.2 and 1 more transcripts); short protein forms E136G.
Identifiers: ClinVar variation 956316 (VCV000956316.11), dbSNP rs1037879170, ClinGen allele CA390888920.
Genomic context (GRCh38, chr14:95,131,540, plus strand): 5'-ATAAAGTGAAATTTCTCTACAAGTCTTACCTGGTGCTTAGTAAACTCTTGGTTCCATCTC[T>C]CTTTTGTCCAAGATGCATTTACTTCTAGGTTTGAGTATTCCCCAACCTTGAGATCTGAAT-3'
Protein context (NP_803187.1, residues 126-146): NLEVNASWTK[Glu136Gly]RWNQEFTKHQ

ClinVar aggregate classification (germline): Uncertain significance (1 of 4 stars; one submission).

Conditions:
DICER1-related tumor predisposition. Also called: DICER1 syndrome; DICER1-related pleuropulmonary blastoma cancer predisposition syndrome. Identifiers: Orphanet 284343, MedGen C3839822, MONDO:0100216.

Submission:

Labcorp Genetics (formerly Invitae), Labcorp
Classification: Uncertain significance for DICER1-related tumor predisposition. Last evaluated: 2024-04-15. Review status: criteria provided, single submitter. Criteria: Invitae Variant Classification Sherloc (09022015). Collection method: clinical testing. Allele origin: germline.
Comment: This sequence change replaces glutamic acid, which is acidic and polar, with glycine, which is neutral and non-polar, at codon 136 of the DICER1 protein (p.Glu136Gly). This variant is not present in population databases (gnomAD no frequency). This variant has not been reported in the literature in individuals affected with DICER1-related conditions. ClinVar contains an entry for this variant (Variation ID: 956316). Advanced modeling of protein sequence and biophysical properties (such as structural, functional, and spatial information, amino acid conservation, physicochemical variation, residue mobility, and thermodynamic stability) performed at Invitae indicates that this missense variant is not expected to disrupt DICER1 protein function with a negative predictive value of 80%. In summary, the available evidence is currently insufficient to determine the role of this variant in disease. Therefore, it has been classified as a Variant of Uncertain Significance.